The following is an entry in ClinVar:

ClinVar aggregate classification (germline): Uncertain significance (1 of 4 stars; one submission).

Conditions:
Glycogen storage disease XV (GSD15). Also called: GLYCOGENIN DEFICIENCY; GSD XV. Identifiers: Orphanet 263297, MedGen C3150754, MONDO:0013291, OMIM 613507.
Polyglucosan body myopathy type 2. Identifiers: Orphanet 456369, MedGen C4015452, MONDO:0014526, OMIM 616199.

Allele frequency attached by ClinVar (database versions not stated): gnomAD exomes below 0.00001; gnomAD 0.00001; TOPMed 0.00001.
gnomAD v4.1: 7 of 1,611,368 alleles (0.00043%); highest among the groups gnomAD compares: Admixed American, 0.0033%; no homozygotes.

Submission:

Labcorp Genetics (formerly Invitae), Labcorp
Classification: Uncertain significance for Polyglucosan body myopathy type 2; Glycogen storage disease XV. Last evaluated: 2022-07-23. Review status: criteria provided, single submitter. Criteria: Invitae Variant Classification Sherloc (09022015). Collection method: clinical testing. Allele origin: germline.
Comment: In summary, the available evidence is currently insufficient to determine the role of this variant in disease. Therefore, it has been classified as a Variant of Uncertain Significance. Variants that disrupt the consensus splice site are a relatively common cause of aberrant splicing (PMID: 17576681, 9536098). Algorithms developed to predict the effect of sequence changes on RNA splicing suggest that this variant may disrupt the consensus splice site. This variant has not been reported in the literature in individuals affected with GYG1-related conditions. This variant is present in population databases (no rsID available, gnomAD 0.003%). This sequence change falls in intron 3 of the GYG1 gene. It does not directly change the encoded amino acid sequence of the GYG1 protein. It affects a nucleotide within the consensus splice site.

Literature cited by the submitters: PubMed 17576681; PubMed 9536098.

NM_004130.4(GYG1):c.318+6T>A

Gene: GYG1 (glycogenin 1; plus strand). Cytogenetic location: 3q24.
Variant type: single nucleotide variant.
Coding change: c.318+6T>A on transcript NM_004130.4 (MANE Select); 6 bases into the intron after coding-DNA position 318, T replaced by A.
Molecular consequence: intron variant.
Genome position (GRCh38, 1-based): chr3:148,996,482, T>A. VCF-style: chr3-148996482-T-A. GRCh37 (hg19) VCF-style: chr3-148714269-T-A.
Other names: c.318+6T>A (NM_001184720.2, NM_001184721.2).
Identifiers: ClinVar variation 2084267 (VCV002084267.4), dbSNP rs1252070531, ClinGen allele CA547365596.
Genomic context (GRCh38, chr3:148,996,482, plus strand): 5'-CTGCTGGTCGCTTACACAGTATTCAAAATGTGTATTCATGGATGCAGATACTCTGGTGAG[T>A]GTGGCTTTGAGGGTAGAAAAGAAAGACATATATATATATGGTGATGGAGACCTGTAGGCA-3'